The following is an entry in ClinVar:

ClinVar aggregate classification (germline): Uncertain significance (1 of 4 stars; one submission).

Conditions:
Neutral lipid storage myopathy (NLSDM). Also called: NEUTRAL LIPID STORAGE DISEASE WITHOUT ICHTHYOSIS. Identifiers: Orphanet 98908, MedGen C1853136, MONDO:0012545, OMIM 610717.

Submission:

Labcorp Genetics (formerly Invitae), Labcorp
Classification: Uncertain significance for Neutral lipid storage myopathy. Last evaluated: 2020-11-15. Review status: criteria provided, single submitter. Criteria: Invitae Variant Classification Sherloc (09022015). Collection method: clinical testing. Allele origin: germline.
Comment: This sequence change replaces valine with leucine at codon 408 of the PNPLA2 protein (p.Val408Leu). The valine residue is moderately conserved and there is a small physicochemical difference between valine and leucine. The frequency data for this variant in the population databases is considered unreliable, as metrics indicate insufficient coverage at this position in the ExAC database. This variant has not been reported in the literature in individuals with PNPLA2-related conditions. Algorithms developed to predict the effect of missense changes on protein structure and function (SIFT, PolyPhen-2, Align-GVGD) all suggest that this variant is likely to be tolerated, but these predictions have not been confirmed by published functional studies and their clinical significance is uncertain. In summary, the available evidence is currently insufficient to determine the role of this variant in disease. Therefore, it has been classified as a Variant of Uncertain Significance.

NM_020376.4(PNPLA2):c.1222G>T (p.Val408Leu)

Gene: PNPLA2 (patatin like domain 2, triacylglycerol lipase; plus strand). Cytogenetic location: 11p15.5.
Variant type: single nucleotide variant.
Coding change: c.1222G>T on transcript NM_020376.4 (MANE Select); coding-DNA position 1222, G replaced by T.
Protein change: p.Val408Leu; replaces valine 408 with leucine.
Molecular consequence: missense variant.
Genome position (GRCh38, 1-based): chr11:824,569, G>T. VCF-style: chr11-824569-G-T. GRCh37 (hg19) VCF-style: chr11-824569-G-T.
Other names: short protein forms V408L.
Identifiers: ClinVar variation 1500030 (VCV001500030.8), dbSNP rs1387931915, ClinGen allele CA378984436.